The following is an entry in ClinVar:

NM_017780.4(CHD7):c.6353A>G (p.Asn2118Ser)

Gene: CHD7 (chromodomain helicase DNA binding protein 7; plus strand). Cytogenetic location: 8q12.2.
Variant type: single nucleotide variant.
Coding change: c.6353A>G on transcript NM_017780.4 (MANE Select); coding-DNA position 6353, A replaced by G.
Protein change: p.Asn2118Ser; replaces asparagine 2118 with serine.
Molecular consequence: missense variant. On other transcripts: intron variant (1).
Genome position (GRCh38, 1-based): chr8:60,853,078, A>G. VCF-style: chr8-60853078-A-G. GRCh37 (hg19) VCF-style: chr8-61765637-A-G.
Other names: c.1717-9151A>G (NM_001316690.1); short protein forms N2118S.
Identifiers: ClinVar variation 363473 (VCV000363473.36), dbSNP rs199614124, ClinGen allele CA4760576.

ClinVar aggregate classification (germline): Benign/Likely benign. Review status: criteria provided, multiple submitters, no conflicts (2 of 4 stars). 9 submissions from 9 submitters: Benign (1); Likely benign (7). 1 of the submissions does not count toward it. Last evaluated 2025-10-27.

Conditions:
Hypogonadotropic hypogonadism 5 with or without anosmia (KAL5). Also called: HYPOGONADOTROPIC HYPOGONADISM 5 WITH ANOSMIA; HYPOGONADOTROPHIC HYPOGONADISM 5 WITHOUT ANOSMIA; CHD7-Related GnRH Deficiency (Kallmann Syndrome 5). Identifiers: Orphanet 478, MedGen C3552553, MONDO:0012880, OMIM 612370. Disease mechanism: loss of function.
Inborn genetic diseases. Identifiers: MedGen C0950123, MeSH D030342.
Hearing impairment. Also called: Impaired Hearing. Identifiers: MedGen C1384666, MONDO:0005365, HP:0000365.
CHD7-related disorder. Also called: CHD7-related condition.
CHARGE syndrome (CHARGE). Also called: CHARGE ASSOCIATION--COLOBOMA, HEART ANOMALY, CHOANAL ATRESIA, RETARDATION, GENITAL AND EAR ANOMALIES; Coloboma, heart anomaly, choanal atresia, retardation, genital and ear anomalies; CHARGE association; Hall-Hittner syndrome; Hittner Hirsch Kreh syndrome. Identifiers: Orphanet 138, MedGen C0265354, MONDO:0008965.

Allele frequency attached by ClinVar (database versions not stated): gnomAD exomes 0.00007 and 0.00011; 1000 Genomes Project 30x 0.00016; ExAC 0.00017; 1000 Genomes Project 0.00020; gnomAD 0.00023 and 0.00026; TOPMed 0.00028; ESP Exome Variant Server 0.00048.
gnomAD v4.1: 149 of 1,613,974 alleles (0.0092%); highest among the groups gnomAD compares: African/African-American, 0.069%; 1 homozygote.

Submissions (9):

Labcorp Genetics (formerly Invitae), Labcorp
Classification: Likely benign for CHARGE syndrome. Last evaluated: 2025-10-27. Review status: criteria provided, single submitter. Criteria: Invitae Variant Classification Sherloc (09022015). Collection method: clinical testing. Allele origin: germline.

Blueprint Genetics
Classification: Likely benign. Last evaluated: 2024-07-31. Review status: criteria provided, single submitter. Criteria: ACMG Guidelines, 2015. Collection method: clinical testing. Allele origin: germline.

Ambry Genetics
Classification: Likely benign for Inborn genetic diseases. Last evaluated: 2021-07-09. Review status: criteria provided, single submitter. Criteria: Ambry Variant Classification Scheme 2023. Collection method: clinical testing. Allele origin: germline.

Department of Otolaryngology – Head & Neck Surgery, Cochlear Implant Center
Classification: Likely benign for Hearing impairment. Last evaluated: 2021-04-12. Review status: criteria provided, single submitter. Criteria: ClinGen HL ACMG Specifications v1. Collection method: clinical testing. Allele origin: germline. Affected: yes.
Comment: BS2_Strong, BP4_Supporting; BS2_Strong, BP4_Supporting

GeneDx
Classification: Likely benign. Last evaluated: 2021-02-01. Review status: criteria provided, single submitter. Criteria: GeneDx Variant Classification Process June 2021. Collection method: clinical testing. Allele origin: germline. Affected: yes.

Laboratory for Molecular Medicine, Mass General Brigham Personalized Medicine
Classification: Likely benign. Last evaluated: 2020-02-11. Review status: criteria provided, single submitter. Criteria: LMM Criteria. Collection method: clinical testing. Allele origin: germline. Observed: 1 variant allele.
Comment: The p.Asn2118Ser variant in CHD7 is classified as likely benign because it has been identified in 0.05% (13/24182) of African chromosomes by gnomAD. ACMG/AMP Criteria applied: BS1.

Illumina Laboratory Services, Illumina
Classification: Likely benign for Kallmann Syndrome 5. Last evaluated: 2018-01-12. Review status: criteria provided, single submitter. Criteria: ICSL Variant Classification Criteria 13 December 2019. Collection method: clinical testing. Allele origin: germline.
Comment: This variant was observed in the ICSL laboratory as part of a predisposition screen in an ostensibly healthy population. It had not been previously curated by ICSL or reported in the Human Gene Mutation Database (HGMD: prior to June 1st, 2018), and was therefore a candidate for classification through an automated scoring system. Utilizing variant allele frequency, disease prevalence and penetrance estimates, and inheritance mode, an automated score was calculated to assess if this variant is too frequent to cause the disease. Based on the score and internal cut-off values, a variant classified as likely benign is not then subjected to further curation. The score for this variant resulted in a classification of likely benign for this disease.

Genetic Services Laboratory, University of Chicago
Classification: Benign. Last evaluated: 2017-09-26. Review status: criteria provided, single submitter. Criteria: ACMG Guidelines, 2015. Collection method: clinical testing. Allele origin: germline. Affected: no.

PreventionGenetics, part of Exact Sciences
Classification: Likely benign for CHD7-related condition. Last evaluated: 2024-07-10. Review status: no assertion criteria provided. Collection method: clinical testing. Allele origin: germline. Not counted in ClinVar's aggregate classification.
Comment: This variant is classified as likely benign based on ACMG/AMP sequence variant interpretation guidelines (Richards et al. 2015 PMID: 25741868, with internal and published modifications).